The following is an entry in ClinVar:

NM_001039591.3(USP9X):c.6471A>G (p.Leu2157=)

Gene: USP9X (ubiquitin specific peptidase 9 X-linked; plus strand). Cytogenetic location: Xp11.4.
Variant type: single nucleotide variant.
Coding change: c.6471A>G on transcript NM_001039591.3 (MANE Select); coding-DNA position 6471, A replaced by G.
Protein change: p.Leu2157=; no amino-acid change (leucine 2157 retained).
Molecular consequence: synonymous variant.
Genome position (GRCh38, 1-based): chrX:41,219,137, A>G. VCF-style: chrX-41219137-A-G. GRCh37 (hg19) VCF-style: chrX-41078390-A-G.
Other names: c.6471A>G, p.Leu2157= (NM_001039590.3); c.6486A>G, p.Leu2162= (NM_001410748.1, NM_001410749.1).
Identifiers: ClinVar variation 3771863 (VCV003771863.13).

ClinVar aggregate classification (germline): Likely benign (1 of 4 stars; one submission).

gnomAD v4.1: 17 of 1,208,647 alleles (0.0014%); highest among the groups gnomAD compares: Non-Finnish European, 0.0019%; no homozygotes.

Submission:

CeGaT Center for Human Genetics Tuebingen
Classification: Likely benign. Last evaluated: 2025-01-01. Review status: criteria provided, single submitter. Criteria: CeGaT Center For Human Genetics Tuebingen Variant Classification Criteria Version 2. Collection method: clinical testing. Allele origin: germline. Affected: yes. Observed: 1 variant allele.
Comment: USP9X: BP4, BP7, BS2